The following is an entry in ClinVar:

NM_203447.4(DOCK8):c.6068+5G>C

Gene: DOCK8 (dedicator of cytokinesis 8; plus strand). Cytogenetic location: 9p24.3.
Variant type: single nucleotide variant.
Coding change: c.6068+5G>C on transcript NM_203447.4 (MANE Select); 5 bases into the intron after coding-DNA position 6068, G replaced by C.
Molecular consequence: intron variant.
Genome position (GRCh38, 1-based): chr9:452,122, G>C. VCF-style: chr9-452122-G-C. GRCh37 (hg19) VCF-style: chr9-452122-G-C.
Other names: c.5864+5G>C (NM_001193536.2); c.5768+5G>C (NM_001190458.2).
Identifiers: ClinVar variation 4709049 (VCV004709049.1).

ClinVar aggregate classification (germline): Uncertain significance (1 of 4 stars; one submission).

Conditions:
Combined immunodeficiency due to DOCK8 deficiency (HIES2). Also called: HYPER-IgE SYNDROME 2, AUTOSOMAL RECESSIVE, WITH RECURRENT INFECTIONS; HIES autosomal recessive; Hyper-IgE recurrent infection syndrome, autosomal recessive; HYPER-IgE RECURRENT INFECTION SYNDROME 2, AUTOSOMAL RECESSIVE; DOCK8 Deficiency. Identifiers: Orphanet 217390, MedGen C4722305, MONDO:0009478, OMIM 243700.

gnomAD v4.1: 2 of 1,587,042 alleles (0.00013%); highest among the groups gnomAD compares: South Asian, 0.0011%; no homozygotes.

Submission:

Labcorp Genetics (formerly Invitae), Labcorp
Classification: Uncertain significance for Combined immunodeficiency due to DOCK8 deficiency. Last evaluated: 2025-10-29. Review status: criteria provided, single submitter. Criteria: Invitae Variant Classification Sherloc (09022015). Collection method: clinical testing. Allele origin: germline.
Comment: This sequence change falls in intron 46 of the DOCK8 gene. It does not directly change the encoded amino acid sequence of the DOCK8 protein. It affects a nucleotide within the consensus splice site. This variant is not present in population databases (gnomAD no frequency). This variant has not been reported in the literature in individuals affected with DOCK8-related conditions. Variants that disrupt the consensus splice site are a relatively common cause of aberrant splicing (PMID: 17576681, 9536098). Algorithms developed to predict the effect of sequence changes on RNA splicing suggest that this variant may disrupt the consensus splice site. In summary, the available evidence is currently insufficient to determine the role of this variant in disease. Therefore, it has been classified as a Variant of Uncertain Significance.

Literature cited by the submitters: PubMed 17576681; PubMed 9536098.